The following is an entry in ClinVar:

NM_000137.4(FAH):c.1156G>C (p.Asp386His)

Gene: FAH (fumarylacetoacetate hydrolase; plus strand). Cytogenetic location: 15q25.1.
Variant type: single nucleotide variant.
Coding change: c.1156G>C on transcript NM_000137.4 (MANE Select); coding-DNA position 1156, G replaced by C.
Protein change: p.Asp386His; replaces aspartic acid 386 with histidine.
Molecular consequence: missense variant.
Genome position (GRCh38, 1-based): chr15:80,181,135, G>C. VCF-style: chr15-80181135-G-C. GRCh37 (hg19) VCF-style: chr15-80473477-G-C.
Other names: c.1156G>C, p.Asp386His (NM_001374377.1, NM_001374380.1); short protein forms D386H.
Identifiers: ClinVar variation 552656 (VCV000552656.4), dbSNP rs1555442402, ClinGen allele CA393622060.
Genomic context (GRCh38, chr15:80,181,135, plus strand): 5'-TCGTGGAAGGGAACGAAGCCCATAGACCTGGGGAATGGTCAGACCAGGAAGTTTCTGCTG[G>C]ACGGGGATGAAGTCATCATAACAGGTGAGGGCTGCCAAACCCAGCAGCTCGTCTTCCTCC-3'
Protein context (NP_000128.1, residues 376-396): GNGQTRKFLL[Asp386His]GDEVIITGYC

ClinVar aggregate classification (germline): Conflicting classifications of pathogenicity. Review status: criteria provided, conflicting classifications (1 of 4 stars). 3 submissions from 3 submitters: Likely pathogenic (1); Uncertain significance (1). 1 of the submissions does not count toward it. Last evaluated 2025-09-10.

Conditions:
Tyrosinemia type I (TYRSN1). Also called: Tyrosinemia type 1; Fumarylacetoacetase deficiency; Deficiency of fumarylacetoacetase; FAH DEFICIENCY; HEPATORENAL TYROSINEMIA. Identifiers: Orphanet 882, MedGen C0268490, MONDO:0010161, OMIM 276700. Disease mechanism: loss of function.

Submissions (3):

Genomic Medicine Center of Excellence, King Faisal Specialist Hospital and Research Centre
Classification: Likely pathogenic for Tyrosinemia type I. Last evaluated: 2025-09-10. Review status: criteria provided, single submitter. Criteria: ACMG Guidelines, 2015. Collection method: clinical testing. Allele origin: germline.

Women's Health and Genetics/Laboratory Corporation of America, LabCorp
Classification: Uncertain significance. Last evaluated: 2025-07-16. Review status: criteria provided, single submitter. Criteria: LabCorp Variant Classification Summary - May 2015. Collection method: clinical testing. Allele origin: germline.
Comment: Variant summary: FAH c.1156G>C (p.Asp386His) results in a non-conservative amino acid change in the encoded protein sequence. Algorithms developed to predict the effect of missense changes on protein structure and function all suggest that this variant is likely to be disruptive. The variant was absent in 251452 control chromosomes. c.1156G>C has been observed in the homozygous state in at least 1 individual(s) affected with inborn error of metabolism suspected to be Tyrosinemia Type 1 after genetic testing (Al-Shamsi-2014). These data indicate that the variant may be associated with disease. To our knowledge, no experimental evidence demonstrating an impact on protein function has been reported. The following publications have been ascertained in the context of this evaluation (PMID: 24516753, 39411402, 35800472, 28755182, 25681080). ClinVar contains an entry for this variant (Variation ID: 552656). Based on the evidence outlined above, the variant was classified as VUS-possibly pathogenic.

Counsyl
Classification: Uncertain significance for Tyrosinemia type I. Last evaluated: 2017-06-26. Review status: no assertion criteria provided. Collection method: clinical testing. Allele origin: unknown. Not counted in ClinVar's aggregate classification.

Literature cited by the submitters: PubMed 24516753 (cited by Women's Health and Genetics/Laboratory Corporation of America, LabCorp and Counsyl); PubMed 25681080 (cited by Women's Health and Genetics/Laboratory Corporation of America, LabCorp); PubMed 28755182 (cited by Women's Health and Genetics/Laboratory Corporation of America, LabCorp); PubMed 35800472 (cited by Women's Health and Genetics/Laboratory Corporation of America, LabCorp); PubMed 39411402 (cited by Women's Health and Genetics/Laboratory Corporation of America, LabCorp).